The following is an entry in ClinVar:

NM_002087.4(GRN):c.360C>T (p.Ser120=)

Gene: GRN (granulin precursor; plus strand). Cytogenetic location: 17q21.31.
Variant type: single nucleotide variant.
Coding change: c.360C>T on transcript NM_002087.4 (MANE Select); coding-DNA position 360, C replaced by T.
Protein change: p.Ser120=; no amino-acid change (serine 120 retained).
Molecular consequence: synonymous variant.
Genome position (GRCh38, 1-based): chr17:44,350,238, C>T. VCF-style: chr17-44350238-C-T. GRCh37 (hg19) VCF-style: chr17-42427606-C-T.
Other names: c.360C>T (NM_002087.2).
Identifiers: ClinVar variation 718836 (VCV000718836.12), dbSNP rs375183423, ClinGen allele CA8601864.

ClinVar aggregate classification (germline): Benign/Likely benign. Review status: criteria provided, multiple submitters, no conflicts (2 of 4 stars). 4 submissions from 4 submitters: Benign (1); Likely benign (2). 1 of the submissions does not count toward it. Last evaluated 2025-08-09.

Conditions:
GRN-related disorder. Also called: GRN-related disorders; GRN-related condition.
GRN-related frontotemporal lobar degeneration with Tdp43 inclusions (FTD2). Also called: DEMENTIA, HEREDITARY DYSPHASIC DISINHIBITION; FRONTOTEMPORAL LOBAR DEGENERATION WITH UBIQUITIN-POSITIVE INCLUSIONS; FTLD-TDP, GRN-RELATED; GRN Frontotemporal Dementia; FRONTOTEMPORAL DEMENTIA WITH TDP43 INCLUSIONS, GRN-RELATED. Identifiers: Orphanet 100070, Orphanet 282, MedGen C1843792, MONDO:0011842, OMIM 607485. Disease mechanism: loss of function.
Neuronal ceroid lipofuscinosis 11. Also called: GRN-Related Neuronal Ceroid-Lipofuscinosis. Identifiers: Orphanet 314629, Orphanet 79262, MedGen C3539123, MONDO:0013866, OMIM 614706.

Allele frequency attached by ClinVar (database versions not stated): gnomAD exomes 0.00004 and 0.00010; ExAC 0.00008; ESP Exome Variant Server 0.00015; TOPMed 0.00015; gnomAD 0.00021.

Submissions (4):

Labcorp Genetics (formerly Invitae), Labcorp
Classification: Likely benign for Neuronal ceroid lipofuscinosis 11; GRN-related frontotemporal lobar degeneration with Tdp43 inclusions. Last evaluated: 2025-08-09. Review status: criteria provided, single submitter. Criteria: Invitae Variant Classification Sherloc (09022015). Collection method: clinical testing. Allele origin: germline.

Athena Diagnostics
Classification: Benign. Last evaluated: 2025-04-11. Review status: criteria provided, single submitter. Criteria: Athena Diagnostics Criteria. Collection method: clinical testing. Allele origin: unknown.
Comment: The frequency of this variant in the general population is higher than would generally be expected for pathogenic variants in this gene. Computational tools yielded predictions that this variant is unlikely to have an effect on normal RNA splicing. This nucleotide position exhibits low evolutionary conservation.

Blueprint Genetics
Classification: Likely benign. Last evaluated: 2024-07-24. Review status: criteria provided, single submitter. Criteria: ACMG Guidelines, 2015. Collection method: clinical testing. Allele origin: germline.

PreventionGenetics, part of Exact Sciences
Classification: Likely benign for GRN-related condition. Last evaluated: 2022-08-29. Review status: no assertion criteria provided. Collection method: clinical testing. Allele origin: germline. Not counted in ClinVar's aggregate classification.
Comment: This variant is classified as likely benign based on ACMG/AMP sequence variant interpretation guidelines (Richards et al. 2015 PMID: 25741868, with internal and published modifications).